The following is an entry in ClinVar:

ClinVar aggregate classification (germline): Conflicting classifications of pathogenicity. Review status: criteria provided, conflicting classifications (1 of 4 stars). 3 submissions from 3 submitters: Likely pathogenic (2); Uncertain significance (1). Last evaluated 2025-11-20.

Conditions:
Inherited renal cancer.
Hereditary cancer-predisposing syndrome. Also called: Neoplastic Syndromes, Hereditary; Tumor predisposition; Hereditary Cancer Syndrome; Hereditary neoplastic syndrome. Identifiers: Orphanet 140162, MedGen C0027672, MeSH D009386, MONDO:0015356.
Hereditary leiomyomatosis and renal cell cancer. Also called: MULTIPLE CUTANEOUS AND UTERINE LEIOMYOMATA 1, WITH OR WITHOUT RENAL CELL CARCINOMA; LEIOMYOMA, MULTIPLE CUTANEOUS; Reed syndrome; Multiple cutaneous and uterine leiomyomatosis; Cutaneous leiomyomata with uterine leiomyomata; Leiomyoma, hereditary multiple, of skin. Identifiers: Orphanet 523, MedGen C1708350, MONDO:0007888, OMIM 150800, HP:0007437. Disease mechanism: loss of function.

Submissions (3):

Genetics Laboratory, Great Ormond Street Hospital NHS Foundation Trust, North Thames Genomic Laboratory Hub
Classification: Uncertain significance for Inherited renal cancer. Last evaluated: 2025-11-20. Review status: criteria provided, single submitter. Criteria: CanVIG Consensus Spec V3.0. Collection method: clinical testing. Allele origin: germline. Affected: yes.
Comment: PS4_supporting, PM2_moderate, PP4_moderate

Molecular Pathology, Peter Maccallum Cancer Centre
Classification: Likely pathogenic for Hereditary leiomyomatosis and renal cell cancer. Last evaluated: 2025-05-01. Review status: criteria provided, single submitter. Criteria: ACMG Guidelines, 2015. Collection method: clinical testing. Allele origin: germline. Inheritance: Autosomal dominant inheritance.

Ambry Genetics
Classification: Likely pathogenic for Hereditary cancer-predisposing syndrome. Last evaluated: 2024-04-26. Review status: criteria provided, single submitter. Criteria: Ambry Variant Classification Scheme 2023. Collection method: clinical testing. Allele origin: germline.
Comment: The p.V394L variant (also known as c.1180G>C), located in coding exon 8 of the FH gene, results from a G to C substitution at nucleotide position 1180. The valine at codon 394 is replaced by leucine, an amino acid with highly similar properties. This variant has been observed in multiple individuals with a personal and/or family history that is consistent with hereditary leiomyomatosis and renal cell cancer (HLRCC) (Ambry internal data; Martinez-Mir A et al. J Invest Dermatol, 2003 Oct;121:741-4; Al-Shinnag M et al. Front Oncol, 2021 Sep;11:738822). Of note, this alteration is also known as V351L in published literature. This amino acid position is well conserved in available vertebrate species. In addition, this alteration is predicted to be deleterious by in silico analysis. This variant is considered to be rare based on population cohorts in the Genome Aggregation Database (gnomAD). Based on the majority of available evidence to date, this variant is likely to be pathogenic.

Literature cited by the submitters: PubMed 14632190 (cited by Ambry Genetics); PubMed 34604083 (cited by Ambry Genetics).

NM_000143.4(FH):c.1180G>C (p.Val394Leu)

Gene: FH (fumarate hydratase; minus strand). Cytogenetic location: 1q43.
Variant type: single nucleotide variant.
Coding change: c.1180G>C on transcript NM_000143.4 (MANE Select); coding-DNA position 1180, G replaced by C.
Protein change: p.Val394Leu; replaces valine 394 with leucine.
Molecular consequence: missense variant.
Genome position (GRCh38, 1-based): chr1:241,502,499, C>G on the plus strand (G>C on the coding strand, the complement: FH is on the minus strand). VCF-style: chr1-241502499-C-G. GRCh37 (hg19) VCF-style: chr1-241665799-C-G.
Other names: short protein forms V394L.
Identifiers: ClinVar variation 3278733 (VCV003278733.3).